The following is an entry in ClinVar:

NM_004168.4(SDHA):c.766A>T (p.Thr256Ser)

Gene: SDHA (succinate dehydrogenase complex flavoprotein subunit A; plus strand). Cytogenetic location: 5p15.33.
Variant type: single nucleotide variant.
Coding change: c.766A>T on transcript NM_004168.4 (MANE Select); coding-DNA position 766, A replaced by T.
Protein change: p.Thr256Ser; replaces threonine 256 with serine.
Molecular consequence: missense variant.
Genome position (GRCh38, 1-based): chr5:228,329, A>T. VCF-style: chr5-228329-A-T. GRCh37 (hg19) VCF-style: chr5-228444-A-T.
Other names: c.622A>T, p.Thr208Ser (NM_001294332.2); c.766A>T, p.Thr256Ser (NM_001330758.2); short protein forms T256S, T208S.
Identifiers: ClinVar variation 1352110 (VCV001352110.8), dbSNP rs1409070000, ClinGen allele CA359011251.

ClinVar aggregate classification (germline): Uncertain significance (1 of 4 stars; one submission).

Conditions:
Mitochondrial complex II deficiency, nuclear type 1. Also called: SUCCINATE CoQ REDUCTASE DEFICIENCY. Identifiers: Orphanet 3208, MedGen C5700310, MONDO:0100294, OMIM 252011.
Pheochromocytoma/paraganglioma syndrome 5. Also called: Paragangliomas 5; SDHA-Related Hereditary Paraganglioma-Pheochromocytoma Syndrome. Identifiers: Orphanet 29072, MedGen C3279992, MONDO:0013602, OMIM 614165.

Submission:

Labcorp Genetics (formerly Invitae), Labcorp
Classification: Uncertain significance for Pheochromocytoma/paraganglioma syndrome 5; Mitochondrial complex II deficiency, nuclear type 1. Last evaluated: 2026-01-12. Review status: criteria provided, single submitter. Criteria: Invitae Variant Classification Sherloc (09022015). Collection method: clinical testing. Allele origin: germline.
Comment: This sequence change replaces threonine, which is neutral and polar, with serine, which is neutral and polar, at codon 256 of the SDHA protein (p.Thr256Ser). This variant is not present in population databases (gnomAD no frequency). This variant has not been reported in the literature in individuals affected with SDHA-related conditions. ClinVar contains an entry for this variant (Variation ID: 1352110). Invitae Evidence Modeling of protein sequence and biophysical properties (such as structural, functional, and spatial information, amino acid conservation, physicochemical variation, residue mobility, and thermodynamic stability) indicates that this missense variant is not expected to disrupt SDHA protein function with a negative predictive value of 95%. In summary, the available evidence is currently insufficient to determine the role of this variant in disease. Therefore, it has been classified as a Variant of Uncertain Significance.